The following is an entry in ClinVar:

NM_001365276.2(TNXB):c.6411G>C (p.Gln2137His)

Gene: TNXB (tenascin XB; minus strand). Cytogenetic location: 6p21.33.
Variant type: single nucleotide variant.
Coding change: c.6411G>C on transcript NM_001365276.2 (MANE Select); coding-DNA position 6411, G replaced by C.
Protein change: p.Gln2137His; replaces glutamine 2137 with histidine.
Molecular consequence: missense variant.
Genome position (GRCh38, 1-based): chr6:32,067,794, C>G on the plus strand (G>C on the coding strand, the complement: TNXB is on the minus strand). VCF-style: chr6-32067794-C-G. GRCh37 (hg19) VCF-style: chr6-32035571-C-G.
Other names: c.7152G>C, p.Gln2384His (NM_001428335.1); c.6411G>C, p.Gln2137His (NM_019105.8); short protein forms Q2137H, Q2384H.
Identifiers: ClinVar variation 3971940 (VCV003971940.1).

ClinVar aggregate classification (germline): Uncertain significance (1 of 4 stars; one submission).

Conditions:
Cardiovascular phenotype. Identifiers: MedGen CN230736.

gnomAD v4.1: 4 of 1,613,532 alleles (0.00025%); highest among the groups gnomAD compares: Non-Finnish European, 0.00034%; no homozygotes.

Submission:

Ambry Genetics
Classification: Uncertain significance for Cardiovascular phenotype. Last evaluated: 2025-04-23. Review status: criteria provided, single submitter. Criteria: Ambry Variant Classification Scheme 2023. Collection method: clinical testing. Allele origin: germline.
Comment: The p.Q2137H variant (also known as c.6411G>C), located in coding exon 17 of the TNXB gene, results from a G to C substitution at nucleotide position 6411. The glutamine at codon 2137 is replaced by histidine, an amino acid with highly similar properties. This amino acid position is conserved. In addition, this alteration is predicted to be tolerated by in silico analysis. Based on the available evidence, the clinical significance of this variant remains unclear.